The following is an entry in ClinVar:

ClinVar aggregate classification (germline): Benign/Likely benign. Review status: criteria provided, multiple submitters, no conflicts (2 of 4 stars). 3 submissions from 3 submitters: Benign (1); Likely benign (2). Last evaluated 2025-12-06.

Conditions:
Ehlers-Danlos syndrome, classic type, 1 (EDSCL1). Also called: EHLERS-DANLOS SYNDROME, GRAVIS TYPE; EHLERS-DANLOS SYNDROME, SEVERE CLASSIC TYPE; Ehlers-Danlos Syndrome, Classic Type, COL5A1-Related; EDS I; Ehlers-Danlos syndrome, type 1. Identifiers: MedGen C0268335, MONDO:0019567, OMIM 130000.

Allele frequency attached by ClinVar (database versions not stated): gnomAD 0.00005; gnomAD exomes 0.00006 and 0.00013; ESP Exome Variant Server 0.00015; TOPMed 0.00008; ExAC 0.00009.

Submissions (3):

Labcorp Genetics (formerly Invitae), Labcorp
Classification: Likely benign for Ehlers-Danlos syndrome, classic type, 1. Last evaluated: 2025-12-06. Review status: criteria provided, single submitter. Criteria: Invitae Variant Classification Sherloc (09022015). Collection method: clinical testing. Allele origin: germline.

Women's Health and Genetics/Laboratory Corporation of America, LabCorp
Classification: Benign. Last evaluated: 2025-11-11. Review status: criteria provided, single submitter. Criteria: LabCorp Variant Classification Summary - May 2015. Collection method: clinical testing. Allele origin: germline.

GeneDx
Classification: Likely benign. Last evaluated: 2017-07-31. Review status: criteria provided, single submitter. Criteria: GeneDx Variant Classification (06012015). Collection method: clinical testing. Allele origin: germline. Affected: yes.
Comment: This variant is considered likely benign or benign based on one or more of the following criteria: it is a conservative change, it occurs at a poorly conserved position in the protein, it is predicted to be benign by multiple in silico algorithms, and/or has population frequency not consistent with disease.

NM_000393.5(COL5A2):c.3309+16A>G

Gene: COL5A2 (collagen type V alpha 2 chain; minus strand). Cytogenetic location: 2q32.2.
Variant type: single nucleotide variant.
Coding change: c.3309+16A>G on transcript NM_000393.5 (MANE Select); 16 bases into the intron after coding-DNA position 3309, A replaced by G.
Molecular consequence: intron variant.
Genome position (GRCh38, 1-based): chr2:189,045,784, T>C on the plus strand (A>G on the coding strand, the complement: COL5A2 is on the minus strand). VCF-style: chr2-189045784-T-C. GRCh37 (hg19) VCF-style: chr2-189910510-T-C.
Identifiers: ClinVar variation 377737 (VCV000377737.10), dbSNP rs369424272, ClinGen allele CA2022055.